The following is an entry in ClinVar:

ClinVar aggregate classification (germline): Likely pathogenic (1 of 4 stars; one submission).

Submission:

Labcorp Genetics (formerly Invitae), Labcorp
Classification: Likely pathogenic. Last evaluated: 2022-02-05. Review status: criteria provided, single submitter. Criteria: Invitae Variant Classification Sherloc (09022015). Collection method: clinical testing. Allele origin: germline.
Comment: In summary, the currently available evidence indicates that the variant is pathogenic, but additional data are needed to prove that conclusively. Therefore, this variant has been classified as Likely Pathogenic. Algorithms developed to predict the effect of sequence changes on RNA splicing suggest that this variant may disrupt the consensus splice site. This variant has not been reported in the literature in individuals affected with FLNB-related conditions. This variant is not present in population databases (gnomAD no frequency). This sequence change affects a donor splice site in intron 28 of the FLNB gene. It is expected to disrupt RNA splicing. Variants that disrupt the donor or acceptor splice site typically lead to a loss of protein function (PMID: 16199547), and loss-of-function variants in FLNB are known to be pathogenic (PMID: 14991055).

Literature cited by the submitters: PubMed 16199547; PubMed 14991055.

NM_001457.4(FLNB):c.4861+2T>C

Gene: FLNB (filamin B; plus strand). Cytogenetic location: 3p14.3.
Variant type: single nucleotide variant.
Coding change: c.4861+2T>C on transcript NM_001457.4 (MANE Select); the canonical splice donor site of the intron after coding-DNA position 4861, T replaced by C.
Molecular consequence: splice donor variant.
Genome position (GRCh38, 1-based): chr3:58,136,170, T>C. VCF-style: chr3-58136170-T-C. GRCh37 (hg19) VCF-style: chr3-58121897-T-C.
Other names: c.4954+2T>C (NM_001164317.2); c.4861+2T>C (NM_001164318.2, NM_001164319.2).
Identifiers: ClinVar variation 1524857 (VCV001524857.8), dbSNP rs2107225089, ClinGen allele CA353352316.